The following is an entry in ClinVar:

ClinVar aggregate classification (germline): Likely benign (1 of 4 stars; one submission).

Conditions:
NF1-related disorder. Also called: NF1-related condition. Identifiers: MedGen CN379171.

gnomAD v4.1: 16 of 1,022,166 alleles (0.0016%); highest among the groups gnomAD compares: African/African-American, 0.025%; no homozygotes.

Submission:

PreventionGenetics, part of Exact Sciences
Classification: Likely benign for NF1-related condition. Last evaluated: 2025-06-03. Review status: criteria provided, single submitter. Criteria: ACMG Guidelines, 2015. Collection method: clinical testing. Allele origin: germline.
Comment: This variant is classified as likely benign based on ACMG/AMP sequence variant interpretation guidelines (Richards et al. 2015 PMID: 25741868, with internal and published modifications).

NM_001042492.3(NF1):c.2851-157A>G

Gene: NF1 (neurofibromin 1; plus strand). Cytogenetic location: 17q11.2.
Variant type: single nucleotide variant.
Coding change: c.2851-157A>G on transcript NM_001042492.3 (MANE Select); 157 bases into the intron before coding-DNA position 2851, A replaced by G.
Molecular consequence: intron variant.
Genome position (GRCh38, 1-based): chr17:31,229,678, A>G. VCF-style: chr17-31229678-A-G. GRCh37 (hg19) VCF-style: chr17-29556696-A-G.
Other names: c.2851-157A>G (NM_000267.4).
Identifiers: ClinVar variation 4986926 (VCV004986926.1).
Genomic context (GRCh38, chr17:31,229,678, plus strand): 5'-CAGCTTGCCTCTTAGGAACTCTGGTGTGTATGTGTGCCTAAGGGTATACGTGCCCTGTGT[A>G]TGGGTACGAGTGTCTGCGTATATCTGTATGCTTATTTGGCTCTATGCCTGTGGGTGCACT-3'